The following is an entry in ClinVar:

NM_003506.4(FZD6):c.1622del (p.Lys541fs)

Gene: FZD6 (frizzled class receptor 6; plus strand). Cytogenetic location: 8q22.3.
Variant type: Deletion.
Coding change: c.1622del on transcript NM_003506.4 (MANE Select); coding-DNA position 1622, one base deleted (A; older notation c.1622delA).
Protein change: p.Lys541fs; shifts the reading frame from lysine 541.
Molecular consequence: frameshift variant. On other transcripts: non-coding transcript variant (1).
Genome position (GRCh38, 1-based): chr8:103,329,735, A deleted; the last of 5 consecutive A bases (chr8:103,329,731-103,329,735); deleting any one gives the same sequence. VCF-style (leftmost placement, unchanged base first): chr8-103329730-CA-C. GRCh37 (hg19) VCF-style: chr8-104341958-CA-C.
Other names: c.1622del, p.Lys541fs (NM_001164615.2); c.1526del, p.Lys509fs (NM_001164616.2); c.707del, p.Lys236fs (NM_001317796.2); short protein forms K236fs, K509fs, K541fs.
Identifiers: ClinVar variation 3775575 (VCV003775575.1).

ClinVar aggregate classification (germline): Pathogenic (1 of 4 stars; one submission).

Conditions:
Nonsyndromic congenital nail disorder 1. Also called: ONYCHODYSTROPHY TOTALIS, ISOLATED; Twenty nail dystrophy; ONYCHAUXIS, HYPONYCHIA, AND ONYCHOLYSIS; NAIL DISORDER, NONSYNDROMIC CONGENITAL, 10; CLAW-SHAPED NAILS. Identifiers: Orphanet 280654, Orphanet 79153, MedGen C0406443, MONDO:0008060, OMIM 161050.

Submission:

3billion
Classification: Pathogenic for Nonsyndromic congenital nail disorder 1. Last evaluated: 2023-08-17. Review status: criteria provided, single submitter. Criteria: ACMG Guidelines, 2015. Collection method: clinical testing. Allele origin: germline. Affected: yes.
Comment: The variant is not observed in the gnomAD v2.1.1 dataset. Predicted Consequence/Location: Frameshift: predicted to result in a loss or disruption of normal protein function through nonsense-mediated decay (NMD) or protein truncation. Multiple pathogenic variants are reported downstream of the variant. Therefore, this variant is classified as Pathogenic according to the recommendation of ACMG/AMP guideline.